The following is an entry in ClinVar:

NM_006136.3(CAPZA2):c.766A>G (p.Lys256Glu)

Gene: CAPZA2 (capping actin protein of muscle Z-line subunit alpha 2; plus strand). Cytogenetic location: 7q31.2.
Variant type: single nucleotide variant.
Coding change: c.766A>G on transcript NM_006136.3 (MANE Select); coding-DNA position 766, A replaced by G.
Protein change: p.Lys256Glu; replaces lysine 256 with glutamic acid.
Genome position (GRCh38, 1-based): chr7:116,917,772, A>G. VCF-style: chr7-116917772-A-G. GRCh37 (hg19) VCF-style: chr7-116557826-A-G.
Other names: short protein forms K256E.
Identifiers: ClinVar variation 830217 (VCV000830217.4), dbSNP rs1791701214, ClinGen allele CA369118827.

ClinVar aggregate classification (germline): Pathogenic. Review status: criteria provided, single submitter (1 of 4 stars). 2 submissions from 2 submitters: Pathogenic (1). 1 of the submissions does not count toward it. Last evaluated 2020-03-16.

Conditions:
Intellectual disability. Also called: Intellectual developmental disorder; Intellectual functioning disability; intellectual disabilities. Identifiers: MedGen C3714756, MeSH D008607, MONDO:0001071, HP:0001249.

Submissions (2):

Department of Medical Genetics, Hunan Provincial Maternal and Child Health Care Hospital
Classification: Pathogenic for Intellectual disability. Last evaluated: 2020-03-16. Review status: criteria provided, single submitter. Criteria: ACMG Guidelines, 2015. Collection method: clinical testing. Allele origin: de novo. Inheritance: Sporadic. Affected: yes. Observed: 1 variant allele, 1 heterozygote.
Comment: This variant exerted loss of function effect in Drosophila.

OMIM
Classification: Uncertain significance for VARIANT OF UNKNOWN SIGNIFICANCE. Last evaluated: 2021-11-18. Review status: no assertion criteria provided. Collection method: literature only. Allele origin: germline. Not counted in ClinVar's aggregate classification.

Literature cited by the submitters: PubMed 32338762 (cited by OMIM).